The following is an entry in ClinVar:

ClinVar aggregate classification (germline): Uncertain significance (1 of 4 stars; one submission).

Conditions:
Charcot-Marie-Tooth disease axonal type 2U. Also called: CHARCOT-MARIE-TOOTH NEUROPATHY, TYPE 2U; CHARCOT-MARIE-TOOTH DISEASE, AXONAL, AUTOSOMAL DOMINANT, TYPE 2U. Identifiers: Orphanet 397735, MedGen C4084821, MONDO:0014566, OMIM 616280.
Severe early-onset pulmonary alveolar proteinosis due to MARS deficiency. Also called: PULMONARY ALVEOLAR PROTEINOSIS, REUNION ISLAND; Interstitial lung and liver disease. Identifiers: Orphanet 440427, MedGen C4225400, MONDO:0014206, OMIM 615486.

gnomAD v4.1: 2 of 1,613,592 alleles (0.00012%); highest among the groups gnomAD compares: Non-Finnish European, 0.00017%; no homozygotes.

Submission:

Labcorp Genetics (formerly Invitae), Labcorp
Classification: Uncertain significance for Charcot-Marie-Tooth disease axonal type 2U; Severe early-onset pulmonary alveolar proteinosis due to MARS deficiency. Last evaluated: 2024-01-29. Review status: criteria provided, single submitter. Criteria: Invitae Variant Classification Sherloc (09022015). Collection method: clinical testing. Allele origin: germline.
Comment: This sequence change replaces arginine, which is basic and polar, with glutamine, which is neutral and polar, at codon 67 of the MARS protein (p.Arg67Gln). This variant also falls at the last nucleotide of exon 2, which is part of the consensus splice site for this exon. This variant is not present in population databases (gnomAD no frequency). This variant has not been reported in the literature in individuals affected with MARS-related conditions. An algorithm developed to predict the effect of missense changes on protein structure and function (PolyPhen-2) suggests that this variant is likely to be tolerated. Variants that disrupt the consensus splice site are a relatively common cause of aberrant splicing (PMID: 17576681, 9536098). Algorithms developed to predict the effect of sequence changes on RNA splicing suggest that this variant may disrupt the consensus splice site. In summary, the available evidence is currently insufficient to determine the role of this variant in disease. Therefore, it has been classified as a Variant of Uncertain Significance.

Literature cited by the submitters: PubMed 17576681; PubMed 9536098.

NM_004990.4(MARS1):c.200G>A (p.Arg67Gln)

Gene: MARS1 (methionyl-tRNA synthetase 1; plus strand). Cytogenetic location: 12q13.3.
Variant type: single nucleotide variant.
Coding change: c.200G>A on transcript NM_004990.4 (MANE Select); coding-DNA position 200, G replaced by A.
Protein change: p.Arg67Gln; replaces arginine 67 with glutamine.
Molecular consequence: missense variant.
Genome position (GRCh38, 1-based): chr12:57,489,109, G>A. VCF-style: chr12-57489109-G-A. GRCh37 (hg19) VCF-style: chr12-57882892-G-A.
Other names: short protein forms R67Q.
Identifiers: ClinVar variation 2932274 (VCV002932274.3), dbSNP rs1285223476, ClinGen allele CA385490582.